The following is an entry in ClinVar:

ClinVar aggregate classification (germline): Benign. Review status: criteria provided, multiple submitters, no conflicts (2 of 4 stars). 2 submissions from 2 submitters: Benign (2). Last evaluated 2018-06-14.

Allele frequency attached by ClinVar (database versions not stated): 1000 Genomes Project 30x 0.49047; 1000 Genomes Project 0.49201; TOPMed 0.50620; gnomAD 0.52276 and 0.52503; gnomAD exomes 0.53426.
gnomAD v4.1: 626,398 of 1,177,070 alleles (53%); highest among the groups gnomAD compares: Non-Finnish European, 55%; 168,817 homozygotes.

Submissions (2):

GeneDx
Classification: Benign. Last evaluated: 2018-06-14. Review status: criteria provided, single submitter. Criteria: GeneDx Variant Classification (06012015). Collection method: clinical testing. Allele origin: germline. Affected: yes.
Comment: This variant is considered likely benign or benign based on one or more of the following criteria: it is a conservative change, it occurs at a poorly conserved position in the protein, it is predicted to be benign by multiple in silico algorithms, and/or has population frequency not consistent with disease.

Breakthrough Genomics
Classification: Benign. Review status: criteria provided, single submitter. Criteria: ACMG Guidelines, 2015. Collection method: not provided. Allele origin: germline. Inheritance: Autosomal recessive inheritance. Affected: yes.

NM_013382.7(POMT2):c.1653+83A>C

Gene: POMT2 (protein O-mannosyltransferase 2; minus strand). Cytogenetic location: 14q24.3.
Variant type: single nucleotide variant.
Coding change: c.1653+83A>C on transcript NM_013382.7 (MANE Select); 83 bases into the intron after coding-DNA position 1653, A replaced by C.
Molecular consequence: intron variant.
Genome position (GRCh38, 1-based): chr14:77,283,714, T>G on the plus strand (A>C on the coding strand, the complement: POMT2 is on the minus strand). VCF-style: chr14-77283714-T-G. GRCh37 (hg19) VCF-style: chr14-77750057-T-G.
Identifiers: ClinVar variation 670967 (VCV000670967.2), dbSNP rs2216089, ClinGen allele CA13965496.